The following is an entry in ClinVar:

NM_007078.3(LDB3):c.296C>T (p.Pro99Leu)

Gene: LDB3 (LIM domain binding 3; plus strand). Cytogenetic location: 10q23.2.
Variant type: single nucleotide variant.
Coding change: c.296C>T on transcript NM_007078.3 (MANE Select); coding-DNA position 296, C replaced by T.
Protein change: p.Pro99Leu; replaces proline 99 with leucine.
Molecular consequence: missense variant.
Genome position (GRCh38, 1-based): chr10:86,680,132, C>T. VCF-style: chr10-86680132-C-T. GRCh37 (hg19) VCF-style: chr10-88439889-C-T.
Other names: c.296C>T, p.Pro99Leu (NM_001080114.2, NM_001080115.2, NM_001080116.1 and 8 more transcripts); short protein forms P99L.
Identifiers: ClinVar variation 1798261 (VCV001798261.7), dbSNP rs148638169, ClinGen allele CA5584638.
Genomic context (GRCh38, chr10:86,680,132, plus strand): 5'-GTTTCTACAGATCAAAGCGTCCCATTCCCATCTCCACGACAGCACCTCCAGTCCAGACCC[C>T]TCTGCCGGTGATCCCTCACCAGAAGGTAGGTGCTGACTGTGGCGGCGGGGTCCACTCAGC-3'
Protein context (NP_009009.1, residues 89-109): ISTTAPPVQT[Pro99Leu]LPVIPHQKDP

ClinVar aggregate classification (germline): Uncertain significance. Review status: criteria provided, multiple submitters, no conflicts (2 of 4 stars). 3 submissions from 3 submitters: Uncertain significance (3). Last evaluated 2023-08-10.

Conditions:
Myofibrillar myopathy 4. Also called: Zaspopathy (type). Identifiers: Orphanet 98912, MedGen C4721886, MONDO:0012277, OMIM 609452.
Cardiovascular phenotype. Identifiers: MedGen CN230736.

Allele frequency attached by ClinVar (database versions not stated): ExAC 0.00002; gnomAD 0.00003; TOPMed 0.00003; ESP Exome Variant Server 0.00015.
gnomAD v4.1: 7 of 1,614,116 alleles (0.00043%); highest among the groups gnomAD compares: African/African-American, 0.0053%; no homozygotes.

Submissions (3):

Labcorp Genetics (formerly Invitae), Labcorp
Classification: Uncertain significance for Myofibrillar myopathy 4. Last evaluated: 2023-08-10. Review status: criteria provided, single submitter. Criteria: Invitae Variant Classification Sherloc (09022015). Collection method: clinical testing. Allele origin: germline.
Comment: This sequence change replaces proline, which is neutral and non-polar, with leucine, which is neutral and non-polar, at codon 99 of the LDB3 protein (p.Pro99Leu). This variant is present in population databases (rs148638169, gnomAD 0.007%). This variant has not been reported in the literature in individuals affected with LDB3-related conditions. ClinVar contains an entry for this variant (Variation ID: 1798261). An algorithm developed to predict the effect of missense changes on protein structure and function (PolyPhen-2) suggests that this variant is likely to be disruptive. In summary, the available evidence is currently insufficient to determine the role of this variant in disease. Therefore, it has been classified as a Variant of Uncertain Significance.

GeneDx
Classification: Uncertain significance. Last evaluated: 2023-07-14. Review status: criteria provided, single submitter. Criteria: GeneDx Variant Classification Process June 2021. Collection method: clinical testing. Allele origin: germline.
Comment: Has not been previously published as pathogenic or benign to our knowledge; Not observed at significant frequency in large population cohorts (gnomAD); In silico analysis supports that this missense variant has a deleterious effect on protein structure/function

Ambry Genetics
Classification: Uncertain significance for Cardiovascular phenotype. Last evaluated: 2019-07-12. Review status: criteria provided, single submitter. Criteria: Ambry Variant Classification Scheme 2023. Collection method: clinical testing. Allele origin: germline.
Comment: The p.P99L variant (also known as c.296C>T), located in coding exon 3 of the LDB3 gene, results from a C to T substitution at nucleotide position 296. The proline at codon 99 is replaced by leucine, an amino acid with similar properties. This amino acid position is not well conserved in available vertebrate species. In addition, this alteration is predicted to be tolerated by in silico analysis. Since supporting evidence is limited at this time, the clinical significance of this alteration remains unclear.